The following is an entry in ClinVar:

ClinVar aggregate classification (germline): Pathogenic. Review status: criteria provided, multiple submitters, no conflicts (2 of 4 stars). 2 submissions from 2 submitters: Pathogenic (2). Last evaluated 2025-01-22.

Conditions:
Familial X-linked hypophosphatemic vitamin D refractory rickets (XLHRD). Also called: Hypophosphatemia, vitamin D-resistant rickets; Vitamin D-resistant rickets, X-linked; X-Linked Hypophosphatemia; Hypophosphatemic Rickets, X-Linked Dominant; HYPOPHOSPHATEMIC VITAMIN D-RESISTANT RICKETS. Identifiers: Orphanet 89936, MedGen C0733682, MONDO:0010619, OMIM 307800.

Submissions (2):

Women's Health and Genetics/Laboratory Corporation of America, LabCorp
Classification: Pathogenic for Familial X-linked hypophosphatemic vitamin D refractory rickets. Last evaluated: 2025-01-22. Review status: criteria provided, single submitter. Criteria: LabCorp Variant Classification Summary - May 2015. Collection method: clinical testing. Allele origin: germline.
Comment: Variant summary: PHEX c.2071-2A>C is located in a canonical splice-site and is predicted to affect mRNA splicing resulting in a significantly altered protein due to either exon skipping, shortening, or inclusion of intronic material. Variants that disrupt the consensus splice site are a relatively common cause of aberrant splicing and loss of PHEX function. Several computational tools predict a significant impact on normal splicing: Four predict the variant abolishes a 3' acceptor site. However, these predictions have yet to be confirmed by functional studies. The variant was absent in 183492 control chromosomes (gnomAD). c.2071-2A>C has been reported in the literature in individuals affected with X-Linked Hypophosphatemic Rickets (example: Filisetti_1999, Gaucher_2009, Lin_2021, Sarafrazi_2022). These data indicate that the variant is likely to be associated with disease. To our knowledge, no experimental evidence demonstrating an impact on protein function has been reported. The following publications have been ascertained in the context of this evaluation (PMID: 10439971, 19219621, 34806794, 30682568, 34141703). ClinVar contains an entry for this variant (Variation ID: 1459784). Based on the evidence outlined above, the variant was classified as pathogenic.

Labcorp Genetics (formerly Invitae), Labcorp
Classification: Pathogenic. Last evaluated: 2021-09-21. Review status: criteria provided, single submitter. Criteria: Invitae Variant Classification Sherloc (09022015). Collection method: clinical testing. Allele origin: germline.
Comment: This variant is not present in population databases (ExAC no frequency). This sequence change affects an acceptor splice site in intron 20 of the PHEX gene. It is expected to disrupt RNA splicing. Variants that disrupt the donor or acceptor splice site typically lead to a loss of protein function (PMID: 16199547), and loss-of-function variants in PHEX are known to be pathogenic (PMID: 9097956, 9106524, 19219621). Disruption of this splice site has been observed in individuals with hypophosphatemia (PMID: 10439971, 10737991). For these reasons, this variant has been classified as Pathogenic. Algorithms developed to predict the effect of sequence changes on RNA splicing suggest that this variant may disrupt the consensus splice site. This variant is also known as ag>cg.

Literature cited by the submitters: PubMed 10439971 (cited by Women's Health and Genetics/Laboratory Corporation of America, LabCorp and Labcorp Genetics (formerly Invitae), Labcorp); PubMed 34806794 (cited by Women's Health and Genetics/Laboratory Corporation of America, LabCorp); PubMed 34141703 (cited by Women's Health and Genetics/Laboratory Corporation of America, LabCorp); PubMed 30682568 (cited by Women's Health and Genetics/Laboratory Corporation of America, LabCorp); PubMed 19219621 (cited by Women's Health and Genetics/Laboratory Corporation of America, LabCorp and Labcorp Genetics (formerly Invitae), Labcorp); PubMed 16199547 (cited by Labcorp Genetics (formerly Invitae), Labcorp); PubMed 9097956 (cited by Labcorp Genetics (formerly Invitae), Labcorp); PubMed 9106524 (cited by Labcorp Genetics (formerly Invitae), Labcorp); PubMed 10737991 (cited by Labcorp Genetics (formerly Invitae), Labcorp).

NM_000444.6(PHEX):c.2071-2A>C

Genes: PHEX (phosphate regulating endopeptidase X-linked; plus strand), PTCHD1-AS (PTCHD1 and PHEX antisense RNA; minus strand). Cytogenetic location: Xp22.11.
Variant type: single nucleotide variant.
Coding change: c.2071-2A>C on transcript NM_000444.6 (MANE Select); the canonical splice acceptor site of the intron before coding-DNA position 2071, A replaced by C.
Molecular consequence: splice acceptor variant. On other transcripts: intron variant (1).
Genome position (GRCh38, 1-based): chrX:22,245,331, A>C. VCF-style: chrX-22245331-A-C. GRCh37 (hg19) VCF-style: chrX-22263448-A-C.
Other names: c.2071-2520A>C (NM_001282754.2).
Identifiers: ClinVar variation 1459784 (VCV001459784.8), dbSNP rs1936359447, ClinGen allele CA412575159.